The following is an entry in ClinVar:

ClinVar aggregate classification (germline): Pathogenic/Likely pathogenic. Review status: criteria provided, multiple submitters, no conflicts (2 of 4 stars). 2 submissions from 2 submitters: Pathogenic (1); Likely pathogenic (1). Last evaluated 2025-12-22.

Conditions:
Usher syndrome type 1F (USH1F). Also called: USHER SYNDROME, TYPE IF. Identifiers: Orphanet 231169, Orphanet 886, MedGen C1865885, MONDO:0011186, OMIM 602083.

Submissions (2):

Natera, Inc.
Classification: Likely pathogenic for Usher syndrome type 1F. Last evaluated: 2025-12-22. Review status: criteria provided, single submitter. Criteria: Natera Variant Classification Schema (03/2026). Collection method: clinical testing. Allele origin: germline.
Comment: The c.960_967del variant in PCDH15 is a frameshift variant predicted to shift the reading frame beginning at codon 321 and leads to a stop codon 9 codons downstream. This variant is expected to result in nonsense mediated decay, truncation, or a dysfunctional protein product. This variant is rare in the general population with a frequency below the threshold expected for the associated phenotype(s). Given the available evidence, this variant is classified as Likely Pathogenic.

Labcorp Genetics (formerly Invitae), Labcorp
Classification: Pathogenic. Last evaluated: 2023-05-22. Review status: criteria provided, single submitter. Criteria: Invitae Variant Classification Sherloc (09022015). Collection method: clinical testing. Allele origin: germline.
Comment: ClinVar contains an entry for this variant (Variation ID: 1453347). This variant has not been reported in the literature in individuals affected with PCDH15-related conditions. This variant is not present in population databases (gnomAD no frequency). This sequence change creates a premature translational stop signal (p.Gly321Leufs*9) in the PCDH15 gene. It is expected to result in an absent or disrupted protein product. Loss-of-function variants in PCDH15 are known to be pathogenic (PMID: 11398101, 11487575, 14570705). For these reasons, this variant has been classified as Pathogenic.

Literature cited by the submitters: PubMed 11398101 (cited by Labcorp Genetics (formerly Invitae), Labcorp); PubMed 11487575 (cited by Labcorp Genetics (formerly Invitae), Labcorp); PubMed 14570705 (cited by Labcorp Genetics (formerly Invitae), Labcorp).

NM_001384140.1(PCDH15):c.960_967del (p.Gly321fs)

Gene: PCDH15 (protocadherin related 15; minus strand). Cytogenetic location: 10q21.1.
Variant type: Deletion.
Coding change: c.960_967del on transcript NM_001384140.1 (MANE Select); coding-DNA positions 960 to 967, 8 bases deleted (AGGAATCC; older notation c.960_967delAGGAATCC).
Protein change: p.Gly321fs; shifts the reading frame from glycine 321.
Molecular consequence: frameshift variant.
Genome position (GRCh38, 1-based): chr10:54,236,841-54,236,848, GGATTCCT deleted on the plus strand (AGGAATCC on the coding strand, the reverse complement: PCDH15 is on the minus strand); deleting any 8 consecutive bases within chr10:54,236,841-54,236,850 gives the same sequence; the c. name uses the placement nearest the transcript's 3' end. VCF-style (leftmost placement, unchanged base first): chr10-54236840-AGGATTCCT-A. GRCh37 (hg19) VCF-style: chr10-55996600-AGGATTCCT-A.
Other names: c.975_982del, p.Gly326fs (NM_001142763.2, NM_001142771.2); c.960_967del, p.Gly321fs (NM_001142764.2, NM_001142765.2, NM_001142766.2 and 7 more transcripts); c.849_856del, p.Gly284fs (NM_001142767.2); c.894_901del, p.Gly299fs (NM_001142768.2, NM_001142773.2, NM_001354404.2); c.973_980delCCAGGAAT, p.Gly326Leufs (NM_001142769.4); short protein forms G284fs, G299fs, G321fs, G326fs.
Identifiers: ClinVar variation 1453347 (VCV001453347.7), dbSNP rs1264391272, ClinGen allele CA666475833.
Genomic context (GRCh38, chr10:54,236,840, plus strand): 5'-ATTCTAGAATAACTGATAGTGTAAAATGTTATCAGATACAAACCAACAAGGATGGAATAG[AGGATTCCT>A]GGCCTATCTGATGGCGGTTGAATATTCCGGTCCTGATCAATGGCTTGGATTGGTGGCGTA-3'